The following is an entry in ClinVar:

ClinVar aggregate classification (germline): Likely pathogenic (1 of 4 stars; one submission).

Submission:

GeneDx
Classification: Likely pathogenic. Last evaluated: 2023-10-10. Review status: criteria provided, single submitter. Criteria: GeneDx Variant Classification Process June 2021. Collection method: clinical testing. Allele origin: germline. Affected: yes.
Comment: Published functional studies demonstrate a damaging effect on protein expression and function, and an enhancement of apoptosis by causing protein aggregates (Miyauchi et al., 2006; Wang et al., 2011); Reported in an individual with Darrier disease in published literature (Sakuntabhai et al., 1999); Not observed at significant frequency in large population cohorts (gnomAD); In silico analysis supports that this missense variant has a deleterious effect on protein structure/function; Missense variants in this gene are a common cause of disease and they are underrepresented in the general population; This variant is associated with the following publications: (PMID: 12975374, 16766529, 22045735, 10080178)

NM_170665.4(ATP2A2):c.2245G>A (p.Gly749Arg)

Gene: ATP2A2 (ATPase sarcoplasmic/endoplasmic reticulum Ca2+ transporting 2; plus strand). Cytogenetic location: 12q24.11.
Variant type: single nucleotide variant.
Coding change: c.2245G>A on transcript NM_170665.4 (MANE Select); coding-DNA position 2245, G replaced by A.
Protein change: p.Gly749Arg; replaces glycine 749 with arginine.
Molecular consequence: missense variant.
Genome position (GRCh38, 1-based): chr12:110,342,375, G>A. VCF-style: chr12-110342375-G-A. GRCh37 (hg19) VCF-style: chr12-110780180-G-A.
Other names: c.2140G>A, p.Gly714Arg (NM_001413013.1); c.2245G>A, p.Gly749Arg (NM_001413014.1, NM_001681.4); c.1870G>A, p.Gly624Arg (NM_001413015.1); short protein forms G624R, G714R, G749R.
Identifiers: ClinVar variation 3340243 (VCV003340243.1).
Genomic context (GRCh38, chr12:110,342,375, plus strand): 5'-GCCTCTGAGATGGTCCTGGCGGATGACAACTTCTCCACCATTGTGGCTGCCGTTGAGGAG[G>A]GGCGGGCAATCTACAACAACATGAAACAGTTCATCCGCTACCTCATCTCGTCCAACGTCG-3'
Protein context (NP_733765.1, residues 739-759): FSTIVAAVEE[Gly749Arg]RAIYNNMKQF